The following is an entry in ClinVar:

ClinVar aggregate classification (germline): Uncertain significance (1 of 4 stars; one submission).

Conditions:
Saldino-Mainzer syndrome (SRTD9). Also called: CONORENAL SYNDROME; Renal dysplasia, retinal pigmentary dystrophy, cerebellar ataxia and skeletal dysplasia; SHORT-RIB THORACIC DYSPLASIA 9 WITHOUT POLYDACTYLY; short-rib thoracic dysplasia 9 with or without polydactyly. Identifiers: Orphanet 140969, MedGen C1849437, MONDO:0009964, OMIM 266920.

Allele frequency attached by ClinVar (database versions not stated): ExAC 0.00002.
gnomAD v4.1: 10 of 1,613,156 alleles (0.00062%); highest among the groups gnomAD compares: African/African-American, 0.0027%; no homozygotes.

Submission:

Labcorp Genetics (formerly Invitae), Labcorp
Classification: Uncertain significance for Saldino-Mainzer syndrome. Last evaluated: 2022-09-27. Review status: criteria provided, single submitter. Criteria: Invitae Variant Classification Sherloc (09022015). Collection method: clinical testing. Allele origin: germline.
Comment: This sequence change replaces alanine, which is neutral and non-polar, with valine, which is neutral and non-polar, at codon 1084 of the IFT140 protein (p.Ala1084Val). This variant is present in population databases (rs757199524, gnomAD 0.007%). This variant has not been reported in the literature in individuals affected with IFT140-related conditions. Advanced modeling of protein sequence and biophysical properties (such as structural, functional, and spatial information, amino acid conservation, physicochemical variation, residue mobility, and thermodynamic stability) has been performed at Invitae for this missense variant, however the output from this modeling did not meet the statistical confidence thresholds required to predict the impact of this variant on IFT140 protein function. In summary, the available evidence is currently insufficient to determine the role of this variant in disease. Therefore, it has been classified as a Variant of Uncertain Significance.

NM_014714.4(IFT140):c.3251C>T (p.Ala1084Val)

Gene: IFT140 (intraflagellar transport 140; minus strand). Cytogenetic location: 16p13.3.
Variant type: single nucleotide variant.
Coding change: c.3251C>T on transcript NM_014714.4 (MANE Select); coding-DNA position 3251, C replaced by T.
Protein change: p.Ala1084Val; replaces alanine 1084 with valine.
Molecular consequence: missense variant.
Genome position (GRCh38, 1-based): chr16:1,523,847, G>A on the plus strand (C>T on the coding strand, the complement: IFT140 is on the minus strand). VCF-style: chr16-1523847-G-A. GRCh37 (hg19) VCF-style: chr16-1573848-G-A.
Other names: short protein forms A1084V.
Identifiers: ClinVar variation 2043776 (VCV002043776.1), dbSNP rs757199524, ClinGen allele CA7813243.